The following is an entry in ClinVar:

ClinVar aggregate classification (germline): Benign/Likely benign. Review status: criteria provided, multiple submitters, no conflicts (2 of 4 stars). 4 submissions from 4 submitters: Benign (2); Likely benign (2). Last evaluated 2025-11-18.

Conditions:
Long QT syndrome (LQTS). Identifiers: MedGen C0023976, MeSH D008133, MONDO:0002442. Disease mechanism: loss of function. Inheritance: Various modes of inheritance.

Allele frequency attached by ClinVar (database versions not stated): gnomAD 0.00002 and 0.00004; ExAC 0.00009; gnomAD exomes 0.00009; TOPMed 0.00010.
gnomAD v4.1: 42 of 1,407,532 alleles (0.003%); highest among the groups gnomAD compares: East Asian, 0.089%; no homozygotes.

Submissions (4):

Labcorp Genetics (formerly Invitae), Labcorp
Classification: Likely benign for Long QT syndrome. Last evaluated: 2025-11-18. Review status: criteria provided, single submitter. Criteria: Invitae Variant Classification Sherloc (09022015). Collection method: clinical testing. Allele origin: germline.

Blueprint Genetics
Classification: Likely benign. Last evaluated: 2023-12-13. Review status: criteria provided, single submitter. Criteria: ACMG Guidelines, 2015. Collection method: clinical testing. Allele origin: germline.

Women's Health and Genetics/Laboratory Corporation of America, LabCorp
Classification: Benign. Last evaluated: 2021-07-05. Review status: criteria provided, single submitter. Criteria: LabCorp Variant Classification Summary - May 2015. Collection method: clinical testing. Allele origin: germline.
Comment: Variant summary: CACNA1C c.372-9C>G alters a non-conserved nucleotide located close to a canonical splice site and therefore could affect mRNA splicing, leading to a significantly altered protein sequence. 3/4 computational tools predict no significant impact on normal splicing. However, these predictions have yet to be confirmed by functional studies. The variant allele was found at a frequency of 9.2e-05 in 249224 control chromosomes, predominantly at a frequency of 0.0012 within the East Asian subpopulation in the gnomAD database. The observed variant frequency within East Asian control individuals in the gnomAD database is approximately 120-fold the estimated maximal expected allele frequency for a pathogenic variant in CACNA1C causing Timothy Syndrome phenotype (1e-05), strongly suggesting that the variant is a benign polymorphism found primarily in populations of East Asian origin. c.372-9C>G has been reported in the literature in at least one individual affected with atrioventricular block (e.g. Liu_2017). This report does not provide unequivocal conclusions about association of the variant with Timothy Syndrome. To our knowledge, no experimental evidence demonstrating an impact on protein function has been reported. One clinical diagnostic laboratory has submitted a clinical significance assessment for this variant to ClinVar after 2014 without evidence for independent evaluation and cited the variant as likely benign. Based on the evidence outlined above, the variant was classified as benign.

GeneDx
Classification: Benign. Last evaluated: 2015-03-03. Review status: criteria provided, single submitter. Criteria: GeneDx Variant Classification Process June 2021. Collection method: clinical testing. Allele origin: germline. Affected: yes.
Comment: This variant is associated with the following publications: (PMID: 28878402)

Literature cited by the submitters: PubMed 28878402 (cited by Women's Health and Genetics/Laboratory Corporation of America, LabCorp).

NM_000719.7(CACNA1C):c.372-9C>G

Gene: CACNA1C (calcium voltage-gated channel subunit alpha1 C; plus strand). Cytogenetic location: 12p13.33.
Variant type: single nucleotide variant.
Coding change: c.372-9C>G on transcript NM_000719.7 (MANE Select); 9 bases into the intron before coding-DNA position 372, C replaced by G.
Molecular consequence: intron variant.
Genome position (GRCh38, 1-based): chr12:2,120,316, C>G. VCF-style: chr12-2120316-C-G. GRCh37 (hg19) VCF-style: chr12-2229482-C-G.
Other names: c.372-9C>G (NM_001167624.3, NM_001167623.2, NM_001167625.2 and 19 more transcripts).
Identifiers: ClinVar variation 416857 (VCV000416857.16), dbSNP rs367763190, ClinGen allele CA6388442.